The following is an entry in ClinVar:

ClinVar aggregate classification (germline): Benign. Review status: criteria provided, single submitter (1 of 4 stars). 2 submissions from 2 submitters: Benign (1). 1 of the submissions does not count toward it. Last evaluated 2019-12-31.

Conditions:
SRGAP3-related disorder. Also called: SRGAP3-related condition.

Allele frequency attached by ClinVar (database versions not stated): gnomAD 0.00035; TOPMed 0.00124; ExAC 0.00138; gnomAD exomes 0.00154; 1000 Genomes Project 30x 0.00281; 1000 Genomes Project 0.00300.
gnomAD v4.1: 706 of 1,573,954 alleles (0.045%); highest among the groups gnomAD compares: East Asian, 1.5%; 2 homozygotes.

Submissions (2):

Labcorp Genetics (formerly Invitae), Labcorp
Classification: Benign. Last evaluated: 2019-12-31. Review status: criteria provided, single submitter. Criteria: Invitae Variant Classification Sherloc (09022015). Collection method: clinical testing. Allele origin: germline.

PreventionGenetics, part of Exact Sciences
Classification: Benign for SRGAP3-related condition. Last evaluated: 2019-02-19. Review status: no assertion criteria provided. Collection method: clinical testing. Allele origin: germline. Not counted in ClinVar's aggregate classification.
Comment: This variant is classified as benign based on ACMG/AMP sequence variant interpretation guidelines (Richards et al. 2015 PMID: 25741868, with internal and published modifications).

NM_014850.4(SRGAP3):c.3241G>A (p.Val1081Met)

Gene: SRGAP3 (SLIT-ROBO Rho GTPase activating protein 3; minus strand). Cytogenetic location: 3p25.3.
Variant type: single nucleotide variant.
Coding change: c.3241G>A on transcript NM_014850.4 (MANE Select); coding-DNA position 3241, G replaced by A.
Protein change: p.Val1081Met; replaces valine 1081 with methionine.
Molecular consequence: missense variant.
Genome position (GRCh38, 1-based): chr3:8,985,578, C>T on the plus strand (G>A on the coding strand, the complement: SRGAP3 is on the minus strand). VCF-style: chr3-8985578-C-T. GRCh37 (hg19) VCF-style: chr3-9027262-C-T.
Other names: c.3169G>A, p.Val1057Met (NM_001033117.3); short protein forms V1057M, V1081M.
Identifiers: ClinVar variation 729518 (VCV000729518.6), dbSNP rs3732978, ClinGen allele CA2237236.